The following is an entry in ClinVar:

NM_000548.5(TSC2):c.1508A>G (p.Gln503Arg)

Gene: TSC2 (TSC complex subunit 2; plus strand). Cytogenetic location: 16p13.3.
Variant type: single nucleotide variant.
Coding change: c.1508A>G on transcript NM_000548.5 (MANE Select); coding-DNA position 1508, A replaced by G.
Protein change: p.Gln503Arg; replaces glutamine 503 with arginine.
Molecular consequence: missense variant.
Genome position (GRCh38, 1-based): chr16:2,064,336, A>G. VCF-style: chr16-2064336-A-G. GRCh37 (hg19) VCF-style: chr16-2114337-A-G.
Other names: c.1508A>G, p.Gln503Arg (NM_001077183.3, NM_001114382.3, NM_001363528.2 and 3 more transcripts); c.1397A>G, p.Gln466Arg (NM_001318827.2); c.1361A>G, p.Gln454Arg (NM_001318829.2); c.908A>G, p.Gln303Arg (NM_001318831.2); c.1541A>G, p.Gln514Arg (NM_001318832.2); short protein forms Q503R, Q303R, Q466R, Q454R, Q514R.
Identifiers: ClinVar variation 572117 (VCV000572117.10), dbSNP rs1567437568, ClinGen allele CA394326124.

ClinVar aggregate classification (germline): Uncertain significance. Review status: criteria provided, multiple submitters, no conflicts (2 of 4 stars). 2 submissions from 2 submitters: Uncertain significance (2). Last evaluated 2025-02-18.

Conditions:
Hereditary cancer-predisposing syndrome. Also called: Hereditary neoplastic syndrome; Neoplastic Syndromes, Hereditary; Hereditary Cancer Syndrome; Tumor predisposition. Identifiers: Orphanet 140162, MedGen C0027672, MeSH D009386, MONDO:0015356.
Tuberous sclerosis 2 (TSC2). Identifiers: Orphanet 805, MedGen C1860707, MONDO:0013199, OMIM 613254.

Submissions (2):

Labcorp Genetics (formerly Invitae), Labcorp
Classification: Uncertain significance for Tuberous sclerosis 2. Last evaluated: 2025-02-18. Review status: criteria provided, single submitter. Criteria: Invitae Variant Classification Sherloc (09022015). Collection method: clinical testing. Allele origin: germline.
Comment: This sequence change replaces glutamine, which is neutral and polar, with arginine, which is basic and polar, at codon 503 of the TSC2 protein (p.Gln503Arg). This variant is not present in population databases (gnomAD no frequency). This variant has not been reported in the literature in individuals affected with TSC2-related conditions. ClinVar contains an entry for this variant (Variation ID: 572117). Invitae Evidence Modeling of protein sequence and biophysical properties (such as structural, functional, and spatial information, amino acid conservation, physicochemical variation, residue mobility, and thermodynamic stability) indicates that this missense variant is not expected to disrupt TSC2 protein function with a negative predictive value of 95%. In summary, the available evidence is currently insufficient to determine the role of this variant in disease. Therefore, it has been classified as a Variant of Uncertain Significance.

Ambry Genetics
Classification: Uncertain significance for Hereditary cancer-predisposing syndrome. Last evaluated: 2024-03-19. Review status: criteria provided, single submitter. Criteria: Ambry Variant Classification Scheme 2023. Collection method: clinical testing. Allele origin: germline.
Comment: The p.Q503R variant (also known as c.1508A>G), located in coding exon 14 of the TSC2 gene, results from an A to G substitution at nucleotide position 1508. The glutamine at codon 503 is replaced by arginine, an amino acid with highly similar properties. This amino acid position is conserved. In addition, the in silico prediction for this alteration is inconclusive. Based on the available evidence, the clinical significance of this alteration remains unclear.